The following is an entry in ClinVar:

ClinVar aggregate classification (germline): Uncertain significance. Review status: criteria provided, single submitter (1 of 4 stars). 2 submissions from 2 submitters: Uncertain significance (1). 1 of the submissions does not count toward it. Last evaluated 2022-03-29.

Conditions:
Fabry disease. Also called: GLA DEFICIENCY; HEREDITARY DYSTOPIC LIPIDOSIS; Fabry's disease; Angiokeratoma corporis diffusum; ALPHA-GALACTOSIDASE A DEFICIENCY; ANDERSON-FABRY DISEASE. Identifiers: Orphanet 324, MedGen C0002986, MONDO:0010526, OMIM 301500, HP:0001071. Disease mechanism: loss of function, Fabry disease is due to inactivating mutations in the X-linked GLA gene resulting in deficiency of the enzyme Alpha Galactosidase-A..

Submissions (2):

Labcorp Genetics (formerly Invitae), Labcorp
Classification: Uncertain significance for Fabry disease. Last evaluated: 2022-03-29. Review status: criteria provided, single submitter. Criteria: Invitae Variant Classification Sherloc (09022015). Collection method: clinical testing. Allele origin: germline.
Comment: This sequence change replaces methionine, which is neutral and non-polar, with leucine, which is neutral and non-polar, at codon 51 of the GLA protein (p.Met51Leu). This variant is not present in population databases (gnomAD no frequency). This variant has not been reported in the literature in individuals affected with GLA-related conditions. ClinVar contains an entry for this variant (Variation ID: 562241). Algorithms developed to predict the effect of missense changes on protein structure and function output the following: SIFT: "Tolerated"; PolyPhen-2: "Benign"; Align-GVGD: "Class C0". The leucine amino acid residue is found in multiple mammalian species, which suggests that this missense change does not adversely affect protein function. This variant disrupts the p.Met51 amino acid residue in GLA. Other variant(s) that disrupt this residue have been determined to be pathogenic (PMID: 11322659, 16773563, 21598360, 25977923). This suggests that this residue is clinically significant, and that variants that disrupt this residue are likely to be disease-causing. In summary, the available evidence is currently insufficient to determine the role of this variant in disease. Therefore, it has been classified as a Variant of Uncertain Significance.

Gharavi Laboratory, Columbia University
Classification: Likely pathogenic. Last evaluated: 2018-09-16. Review status: no assertion criteria provided. Criteria: ACMG Guidelines, 2015. Collection method: research. Allele origin: germline. Affected: yes. Not counted in ClinVar's aggregate classification.

Literature cited by the submitters: PubMed 11322659 (cited by Labcorp Genetics (formerly Invitae), Labcorp); PubMed 16773563 (cited by Labcorp Genetics (formerly Invitae), Labcorp); PubMed 21598360 (cited by Labcorp Genetics (formerly Invitae), Labcorp); PubMed 25977923 (cited by Labcorp Genetics (formerly Invitae), Labcorp).

NM_000169.3(GLA):c.151A>C (p.Met51Leu)

Genes: GLA (galactosidase alpha; minus strand), RPL36A-HNRNPH2 (RPL36A-HNRNPH2 readthrough; plus strand). Cytogenetic location: Xq22.1.
Variant type: single nucleotide variant.
Coding change: c.151A>C on transcript NM_000169.3 (MANE Select); coding-DNA position 151, A replaced by C.
Protein change: p.Met51Leu; replaces methionine 51 with leucine.
Molecular consequence: missense variant. On other transcripts: non-coding transcript variant (3), intron variant (2).
Genome position (GRCh38, 1-based): chrX:101,407,753, T>G on the plus strand (A>C on the coding strand, the complement: GLA is on the minus strand). VCF-style: chrX-101407753-T-G. GRCh37 (hg19) VCF-style: chrX-100662741-T-G.
Other names: c.151A>C, p.Met51Leu (NM_001406747.1, NM_001406748.1, NM_001406749.1); c.301-4183T>G (NM_001199973.2); c.178-4183T>G (NM_001199974.2); short protein forms M51L.
Identifiers: ClinVar variation 562241 (VCV000562241.10), dbSNP rs1569306069, ClinGen allele CA413936939.